The following is an entry in ClinVar:

ClinVar aggregate classification (germline): Benign. Review status: criteria provided, multiple submitters, no conflicts (2 of 4 stars). 4 submissions from 3 submitters: Benign (4). Last evaluated 2021-05-15.

Conditions:
3-Methylglutaconic aciduria type 3 (MGCA3). Also called: OPA3, AUTOSOMAL RECESSIVE; OPTIC ATROPHY 3, AUTOSOMAL RECESSIVE; Costeff Syndrome; OPA3-Related 3-Methylglutaconic Aciduria. Identifiers: Orphanet 67047, MedGen C0574084, MONDO:0009787, OMIM 258501.
Optic atrophy 3 (OPA3). Also called: OPTIC ATROPHY 3, AUTOSOMAL DOMINANT; Optic atrophy, cataract, and neurologic disorder; Optic atrophy 3 with cataract. Identifiers: Orphanet 67036, MedGen C1833809, MONDO:0008133, OMIM 165300.

Allele frequency attached by ClinVar (database versions not stated): gnomAD 0.04790 and 0.05112; TOPMed 0.05184; 1000 Genomes Project 0.05851; 1000 Genomes Project 30x 0.05981.
gnomAD v4.1: 10,282 of 986,042 alleles (1%); highest among the groups gnomAD compares: African/African-American, 17%; 802 homozygotes.

Submissions (4):

GeneDx
Classification: Benign. Last evaluated: 2021-05-15. Review status: criteria provided, single submitter. Criteria: GeneDx Variant Classification Process June 2021. Collection method: clinical testing. Allele origin: germline. Affected: yes.

Illumina Laboratory Services, Illumina
Classification: Benign for Optic atrophy 3. Last evaluated: 2018-01-13. Review status: criteria provided, single submitter. Criteria: ICSL Variant Classification Criteria 13 December 2019. Collection method: clinical testing. Allele origin: germline.
Comment: This variant was observed in the ICSL laboratory as part of a predisposition screen in an ostensibly healthy population. It had not been previously curated by ICSL or reported in the Human Gene Mutation Database (HGMD: prior to June 1st, 2018), and was therefore a candidate for classification through an automated scoring system. Utilizing variant allele frequency, disease prevalence and penetrance estimates, and inheritance mode, an automated score was calculated to assess if this variant is too frequent to cause the disease. Based on the score and internal cut-off values, a variant classified as benign is not then subjected to further curation. The score for this variant resulted in a classification of benign for this disease.

Illumina Laboratory Services, Illumina
Classification: Benign for 3-Methylglutaconic aciduria type 3. Last evaluated: 2018-01-13. Review status: criteria provided, single submitter. Criteria: ICSL Variant Classification Criteria 13 December 2019. Collection method: clinical testing. Allele origin: germline.
Comment: the same text as in the submission from Illumina Laboratory Services, Illumina above.

Breakthrough Genomics
Classification: Benign. Review status: criteria provided, single submitter. Criteria: ACMG Guidelines, 2015. Collection method: not provided. Allele origin: germline. Inheritance: Autosomal recessive inheritance. Affected: yes.

NM_025136.4(OPA3):c.*3038G>A

Genes: OPA3 (outer mitochondrial membrane lipid metabolism regulator OPA3; minus strand), OPA3-RTN2 (OPA3-RTN2 readthrough; minus strand). Cytogenetic location: 19q13.32.
Variant type: single nucleotide variant.
Coding change: c.*3038G>A on transcript NM_025136.4 (MANE Select); 3038 bases downstream of the stop codon, G replaced by A.
Molecular consequence: 3 prime UTR variant. On other transcripts: intron variant (1).
Genome position (GRCh38, 1-based): chr19:45,550,476, C>T on the plus strand (G>A on the coding strand, the complement: OPA3 is on the minus strand). VCF-style: chr19-45550476-C-T. GRCh37 (hg19) VCF-style: chr19-46053734-C-T.
Other names: c.143-21020G>A (NM_001017989.3).
Identifiers: ClinVar variation 329632 (VCV000329632.7), dbSNP rs73568982, ClinGen allele CA10643005.